The following is an entry in ClinVar:

ClinVar aggregate classification (germline): Uncertain significance (1 of 4 stars; one submission).

Allele frequency attached by ClinVar (database versions not stated): TOPMed below 0.00001; gnomAD 0.00001.
gnomAD v4.1: 1 of 1,613,708 alleles (0.000062%); highest among the groups gnomAD compares: African/African-American, 0.0013%; no homozygotes.

Submission:

Labcorp Genetics (formerly Invitae), Labcorp
Classification: Uncertain significance. Last evaluated: 2023-10-15. Review status: criteria provided, single submitter. Criteria: Invitae Variant Classification Sherloc (09022015). Collection method: clinical testing. Allele origin: germline.
Comment: This sequence change affects codon 25 of the ADNP mRNA. It is a 'silent' change, meaning that it does not change the encoded amino acid sequence of the ADNP protein. This variant is not present in population databases (gnomAD no frequency). This variant has not been reported in the literature in individuals affected with ADNP-related conditions. In summary, the available evidence is currently insufficient to determine the role of this variant in disease. Therefore, it has been classified as a Variant of Uncertain Significance.

NM_001282531.3(ADNP):c.75C>T (p.Asp25=)

Gene: ADNP (activity dependent neuroprotector homeobox; minus strand). Cytogenetic location: 20q13.13.
Variant type: single nucleotide variant.
Coding change: c.75C>T on transcript NM_001282531.3 (MANE Select); coding-DNA position 75, C replaced by T.
Protein change: p.Asp25=; no amino-acid change (aspartic acid 25 retained).
Molecular consequence: synonymous variant.
Genome position (GRCh38, 1-based): chr20:50,903,922, G>A on the plus strand (C>T on the coding strand, the complement: ADNP is on the minus strand). VCF-style: chr20-50903922-G-A. GRCh37 (hg19) VCF-style: chr20-49520459-G-A.
Other names: c.75C>T, p.Asp25= (NM_001282532.2, NM_001347511.2, NM_015339.5 and 1 more transcripts).
Identifiers: ClinVar variation 2802469 (VCV002802469.3), dbSNP rs1002057722, ClinGen allele CA315265720.